The following is an entry in ClinVar:

NM_000038.6(APC):c.4837C>T (p.Pro1613Ser)

Gene: APC (APC regulator of Wnt signaling pathway; plus strand). Cytogenetic location: 5q22.2.
Variant type: single nucleotide variant.
Coding change: c.4837C>T on transcript NM_000038.6 (MANE Select); coding-DNA position 4837, C replaced by T.
Protein change: p.Pro1613Ser; replaces proline 1613 with serine.
Molecular consequence: missense variant.
Genome position (GRCh38, 1-based): chr5:112,840,431, C>T. VCF-style: chr5-112840431-C-T. GRCh37 (hg19) VCF-style: chr5-112176128-C-T.
Other names: c.4837C>T, p.Pro1613Ser (NM_001127510.3, NM_001354895.2); c.4783C>T, p.Pro1595Ser (NM_001127511.3); c.4891C>T, p.Pro1631Ser (NM_001354896.2); c.4867C>T, p.Pro1623Ser (NM_001354897.2); c.4762C>T, p.Pro1588Ser (NM_001354898.2); c.4753C>T, p.Pro1585Ser (NM_001354899.2); c.4714C>T, p.Pro1572Ser (NM_001354900.2); c.4660C>T, p.Pro1554Ser (NM_001354901.2); and 5 more; short protein forms P1595S, P1613S, P1522S, P1554S, P1585S, P1330S, P1453S, P1623S.
Identifiers: ClinVar variation 411491 (VCV000411491.25), dbSNP rs1060503335, ClinGen allele CA16031930.
Genomic context (GRCh38, chr5:112,840,431, plus strand): 5'-AAGCCAGCCCAGACTGCTTCAAAATTACCTCCACCTGTGGCAAGGAAACCAAGTCAGCTG[C>T]CTGTGTACAAACTTCTACCATCACAAAACAGGTTGCAACCCCAAAAGCATGTTAGTTTTA-3'
Protein context (NP_000029.2, residues 1603-1623): PPVARKPSQL[Pro1613Ser]VYKLLPSQNR

ClinVar aggregate classification (germline): Uncertain significance. Review status: criteria provided, multiple submitters, no conflicts (2 of 4 stars). 5 submissions from 5 submitters: Uncertain significance (5). Last evaluated 2025-06-09.

Conditions:
Hereditary cancer-predisposing syndrome. Also called: Tumor predisposition; Hereditary Cancer Syndrome; Hereditary neoplastic syndrome; Neoplastic Syndromes, Hereditary. Identifiers: Orphanet 140162, MedGen C0027672, MeSH D009386, MONDO:0015356.
Familial adenomatous polyposis 1 (FAP1). Also called: FAMILIAL ADENOMATOUS POLYPOSIS 1, ATTENUATED; POLYPOSIS, ADENOMATOUS INTESTINAL. Identifiers: MedGen C2713442, MONDO:0021056, OMIM 175100. Disease mechanism: loss of function.

Allele frequency attached by ClinVar (database versions not stated): gnomAD exomes below 0.00001; TOPMed below 0.00001.
gnomAD v4.1: 7 of 1,614,178 alleles (0.00043%); highest among the groups gnomAD compares: Non-Finnish European, 0.00051%; no homozygotes.

Submissions (5):

GeneDx
Classification: Uncertain significance. Last evaluated: 2025-06-09. Review status: criteria provided, single submitter. Criteria: GeneDx Variant Classification Process June 2021. Collection method: clinical testing. Allele origin: germline. Affected: yes.
Comment: Not observed at significant frequency in large population cohorts (gnomAD); In silico analysis supports that this missense variant has a deleterious effect on protein structure/function; Has not been previously published as pathogenic or benign to our knowledge; This variant is associated with the following publications: (PMID: 18199528)

Labcorp Genetics (formerly Invitae), Labcorp
Classification: Uncertain significance for Familial adenomatous polyposis 1. Last evaluated: 2024-12-16. Review status: criteria provided, single submitter. Criteria: Invitae Variant Classification Sherloc (09022015). Collection method: clinical testing. Allele origin: germline.
Comment: This sequence change replaces proline, which is neutral and non-polar, with serine, which is neutral and polar, at codon 1613 of the APC protein (p.Pro1613Ser). This variant is not present in population databases (gnomAD no frequency). This variant has not been reported in the literature in individuals affected with APC-related conditions. ClinVar contains an entry for this variant (Variation ID: 411491). Invitae Evidence Modeling of protein sequence and biophysical properties (such as structural, functional, and spatial information, amino acid conservation, physicochemical variation, residue mobility, and thermodynamic stability) indicates that this missense variant is not expected to disrupt APC protein function with a negative predictive value of 95%. In summary, the available evidence is currently insufficient to determine the role of this variant in disease. Therefore, it has been classified as a Variant of Uncertain Significance.

Ambry Genetics
Classification: Uncertain significance for Hereditary cancer-predisposing syndrome. Last evaluated: 2024-07-01. Review status: criteria provided, single submitter. Criteria: Ambry Variant Classification Scheme 2023. Collection method: clinical testing. Allele origin: germline.
Comment: The p.P1613S variant (also known as c.4837C>T), located in coding exon 15 of the APC gene, results from a C to T substitution at nucleotide position 4837. The proline at codon 1613 is replaced by serine, an amino acid with similar properties. This amino acid position is highly conserved in available vertebrate species. In addition, in silico predictors for this gene do not accurately predict pathogenicity. Since supporting evidence is limited at this time, the clinical significance of this alteration remains unclear.

Baylor Genetics
Classification: Uncertain significance for Familial adenomatous polyposis 1. Last evaluated: 2024-03-05. Review status: criteria provided, single submitter. Criteria: ACMG Guidelines, 2015. Collection method: clinical testing. Allele origin: unknown.

Color Diagnostics, LLC DBA Color Health
Classification: Uncertain significance for Hereditary cancer-predisposing syndrome. Last evaluated: 2023-12-04. Review status: criteria provided, single submitter. Criteria: ACMG Guidelines, 2015. Collection method: clinical testing. Allele origin: germline.
Comment: This missense variant replaces proline with serine at codon 1613 of the APC protein. Computational prediction is inconclusive regarding the impact of this variant on protein structure and function (internally defined REVEL score threshold 0.5 < inconclusive < 0.7, PMID: 27666373). To our knowledge, functional studies have not been reported for this variant. This variant has not been reported in individuals affected with APC-related disorders in the literature. This variant has not been identified in the general population by the Genome Aggregation Database (gnomAD). The available evidence is insufficient to determine the role of this variant in disease conclusively. Therefore, this variant is classified as a Variant of Uncertain Significance.